The following is an entry in ClinVar:

ClinVar aggregate classification (germline): Uncertain significance (1 of 4 stars; one submission).

Conditions:
Juvenile polyposis syndrome (JPS). Identifiers: Orphanet 2929, MedGen C0345893, MONDO:0017380, OMIM 174900.

Submission:

Labcorp Genetics (formerly Invitae), Labcorp
Classification: Uncertain significance for Juvenile polyposis syndrome. Last evaluated: 2018-04-19. Review status: criteria provided, single submitter. Criteria: Invitae Variant Classification Sherloc (09022015). Collection method: clinical testing. Allele origin: germline.
Comment: Algorithms developed to predict the effect of missense changes on protein structure and function do not agree on the potential impact of this missense change (SIFT: "Tolerated"; PolyPhen-2: "Possibly Damaging"; Align-GVGD: "Class C0"). This variant has not been reported in the literature in individuals with SMAD4-related disease. This variant is not present in population databases (ExAC no frequency). This sequence change replaces leucine with phenylalanine at codon 143 of the SMAD4 protein (p.Leu143Phe). The leucine residue is highly conserved and there is a small physicochemical difference between leucine and phenylalanine. In summary, the available evidence is currently insufficient to determine the role of this variant in disease. Therefore, it has been classified as a Variant of Uncertain Significance.

NM_005359.6(SMAD4):c.427C>T (p.Leu143Phe)

Gene: SMAD4 (SMAD family member 4; plus strand). Cytogenetic location: 18q21.2.
Variant type: single nucleotide variant.
Coding change: c.427C>T on transcript NM_005359.6 (MANE Select); coding-DNA position 427, C replaced by T.
Protein change: p.Leu143Phe; replaces leucine 143 with phenylalanine.
Molecular consequence: missense variant.
Genome position (GRCh38, 1-based): chr18:51,049,297, C>T. VCF-style: chr18-51049297-C-T. GRCh37 (hg19) VCF-style: chr18-48575667-C-T.
Other names: short protein forms L143F.
Identifiers: ClinVar variation 567050 (VCV000567050.10), dbSNP rs1568203595, ClinGen allele CA402459040.